The following is an entry in ClinVar:

NM_000368.5(TSC1):c.1141+10T>C

Gene: TSC1 (TSC complex subunit 1; minus strand). Cytogenetic location: 9q34.13.
Variant type: single nucleotide variant.
Coding change: c.1141+10T>C on transcript NM_000368.5 (MANE Select); 10 bases into the intron after coding-DNA position 1141, T replaced by C.
Molecular consequence: intron variant.
Genome position (GRCh38, 1-based): chr9:132,910,992, A>G on the plus strand (T>C on the coding strand, the complement: TSC1 is on the minus strand). VCF-style: chr9-132910992-A-G. GRCh37 (hg19) VCF-style: chr9-135786379-A-G.
Other names: c.778+10T>C (NM_001362177.2); c.988+10T>C (NM_001162427.2); c.1141+10T>C (NM_001162426.2).
Identifiers: ClinVar variation 466008 (VCV000466008.20), dbSNP rs367601694, ClinGen allele CA027098.
Genomic context (GRCh38, chr9:132,910,992, plus strand): 5'-AAGAGAGCTCCTCCTGCCATTAAAGGCAGGCCAAAACCAACTAATCAAATCCAACCTAAG[A>G]CATACATACCAGTTGTACCAAAGACTTTACTGTAAGGGTGTGACAGATCAGGTGGGACAT-3'

ClinVar aggregate classification (germline): Benign. Review status: criteria provided, multiple submitters, no conflicts (2 of 4 stars). 6 submissions from 6 submitters: Benign (5). 1 of the submissions does not count toward it. Last evaluated 2026-01-04.

Conditions:
TSC1-related disorder. Also called: TSC1-related condition.
Tuberous sclerosis 1 (TSC1). Identifiers: Orphanet 805, MedGen C1854465, MONDO:0008612, OMIM 191100.

Allele frequency attached by ClinVar (database versions not stated): gnomAD 0.00001; gnomAD exomes 0.00002 and 0.00004; TOPMed 0.00002; ExAC 0.00005; 1000 Genomes Project 0.00040; 1000 Genomes Project 30x 0.00047.
gnomAD v4.1: 32 of 1,611,372 alleles (0.002%); highest among the groups gnomAD compares: East Asian, 0.025%; 2 homozygotes.

Submissions (6):

Labcorp Genetics (formerly Invitae), Labcorp
Classification: Benign for Tuberous sclerosis 1. Last evaluated: 2026-01-04. Review status: criteria provided, single submitter. Criteria: Invitae Variant Classification Sherloc (09022015). Collection method: clinical testing. Allele origin: germline.

Quest Diagnostics Nichols Institute San Juan Capistrano
Classification: Benign. Last evaluated: 2025-03-03. Review status: criteria provided, single submitter. Criteria: Quest Diagnostics criteria. Collection method: clinical testing. Allele origin: unknown.

Myriad Genetics, Inc.
Classification: Benign for Tuberous sclerosis 1. Last evaluated: 2024-09-05. Review status: criteria provided, single submitter. Criteria: Myriad Autosomal Dominant, Autosomal Recessive and X-Linked Classification Criteria (2023). Collection method: clinical testing. Allele origin: unknown.
Comment: This variant is considered benign. This variant is intronic and is not expected to impact mRNA splicing. This variant has been observed at a population frequency that is significantly greater than expected given the associated disease prevalence and penetrance.

Athena Diagnostics
Classification: Benign. Last evaluated: 2024-06-24. Review status: criteria provided, single submitter. Criteria: Athena Diagnostics Criteria. Collection method: clinical testing. Allele origin: unknown.

Genome-Nilou Lab
Classification: Benign for Tuberous sclerosis 1. Last evaluated: 2021-11-07. Review status: criteria provided, single submitter. Criteria: ACMG Guidelines, 2015. Collection method: clinical testing. Allele origin: germline. Affected: no.

PreventionGenetics, part of Exact Sciences
Classification: Likely benign for TSC1-related condition. Last evaluated: 2019-07-01. Review status: no assertion criteria provided. Collection method: clinical testing. Allele origin: germline. Not counted in ClinVar's aggregate classification.
Comment: This variant is classified as likely benign based on ACMG/AMP sequence variant interpretation guidelines (Richards et al. 2015 PMID: 25741868, with internal and published modifications).